The following is an entry in ClinVar:

NC_000007.13:g.(?_21824025)_(21828980_?)del

Gene: DNAH11 (dynein axonemal heavy chain 11; plus strand). Cytogenetic location: 7p15.3.
Variant type: Deletion.
Identifiers: ClinVar variation 1467115 (VCV001467115.12).

ClinVar aggregate classification (germline): Uncertain significance (1 of 4 stars; one submission).

Conditions:
Primary ciliary dyskinesia. Also called: Ciliary dyskinesia. Identifiers: Orphanet 244, MedGen C0008780, MONDO:0016575, HP:0012265.

Submission:

Labcorp Genetics (formerly Invitae), Labcorp
Classification: Uncertain significance for Primary ciliary dyskinesia. Last evaluated: 2021-08-09. Review status: criteria provided, single submitter. Criteria: Invitae Variant Classification Sherloc (09022015). Collection method: clinical testing. Allele origin: germline.
Comment: This variant is a gross deletion of the genomic region encompassing exon(s) 58-61 of the DNAH11 gene. This variant would be expected to be in-frame, preserving the integrity of the reading frame. In summary, the available evidence is currently insufficient to determine the role of this variant in disease. Therefore, it has been classified as a Variant of Uncertain Significance. This variant disrupts a region of the DNAH11 protein in which other variant(s) (p.Ala3336Ser) have been observed in individuals with DNAH11-related conditions (PMID: 32502479). This suggests that this is a clinically significant region of the protein, and that variants that disrupt it are likely to be disease-causing. Experimental studies and prediction algorithms are not available or were not evaluated, and the functional significance of this variant is currently unknown. This variant has not been reported in the literature in individuals affected with DNAH11-related conditions.

Literature cited by the submitters: PubMed 32502479.